The following is an entry in ClinVar:

NM_001349253.2(SCN11A):c.-155C>T

Gene: SCN11A (sodium voltage-gated channel alpha subunit 11; minus strand). Cytogenetic location: 3p22.2.
Variant type: single nucleotide variant.
Coding change: c.-155C>T on transcript NM_001349253.2 (MANE Select); 155 bases upstream of the start codon, C replaced by T.
Molecular consequence: 5 prime UTR variant.
Genome position (GRCh38, 1-based): chr3:38,960,299, G>A on the plus strand (C>T on the coding strand, the complement: SCN11A is on the minus strand). VCF-style: chr3-38960299-G-A. GRCh37 (hg19) VCF-style: chr3-39001790-G-A.
Identifiers: ClinVar variation 1695069 (VCV001695069.31), dbSNP rs76870831, ClinGen allele CA73001368.
Genomic context (GRCh38, chr3:38,960,299, plus strand): 5'-CTTGAAAGAACAGAACAGGCCTGCACCCGGCCCAGAGGACTTACCTGACTTCTTGGTAAG[G>A]TGGCTCCAGACAGCAATCCCAGCGATACTTCTTGAAGCTCTCCACAGAGCAAGTCTCTCA-3'

ClinVar aggregate classification (germline): Likely benign (1 of 4 stars; one submission).

Allele frequency attached by ClinVar (database versions not stated): 1000 Genomes Project 0.00160; 1000 Genomes Project 30x 0.00203; TOPMed 0.00390; gnomAD 0.00444 and 0.00457.
gnomAD v4.1: 673 of 152,304 alleles (0.44%); highest among the groups gnomAD compares: Non-Finnish European, 0.75%; 1 homozygote.

Submission:

CeGaT Center for Human Genetics Tuebingen
Classification: Likely benign. Last evaluated: 2026-08-01. Review status: criteria provided, single submitter. Criteria: CeGaT Center For Human Genetics Tuebingen Variant Classification Criteria Version 2. Collection method: clinical testing. Allele origin: germline. Affected: yes. Observed: 17 variant alleles.
Comment: SCN11A: BS1